The following is an entry in ClinVar:

ClinVar aggregate classification (germline): Conflicting classifications of pathogenicity. Review status: criteria provided, conflicting classifications (1 of 4 stars). 2 submissions from 2 submitters: Likely pathogenic (1); Uncertain significance (1). Last evaluated 2026-01-14.

Submissions (2):

Labcorp Genetics (formerly Invitae), Labcorp
Classification: Uncertain significance. Last evaluated: 2026-01-14. Review status: criteria provided, single submitter. Criteria: Invitae Variant Classification Sherloc (09022015). Collection method: clinical testing. Allele origin: germline.
Comment: This sequence change replaces methionine, which is neutral and non-polar, with lysine, which is basic and polar, at codon 86 of the MYH9 protein (p.Met86Lys). This variant is not present in population databases (gnomAD no frequency). This variant has not been reported in the literature in individuals affected with MYH9-related conditions. ClinVar contains an entry for this variant (Variation ID: 1337180). Invitae Evidence Modeling of protein sequence and biophysical properties (such as structural, functional, and spatial information, amino acid conservation, physicochemical variation, residue mobility, and thermodynamic stability) has been performed for this missense variant. However, the output from this modeling did not meet the statistical confidence thresholds required to predict the impact of this variant on MYH9 protein function. In summary, the available evidence is currently insufficient to determine the role of this variant in disease. Therefore, it has been classified as a Variant of Uncertain Significance.

Genetic Services Laboratory, University of Chicago
Classification: Likely pathogenic. Last evaluated: 2019-05-31. Review status: criteria provided, single submitter. Criteria: ACMG Guidelines, 2015. Collection method: clinical testing. Allele origin: germline. Affected: yes.
Comment: DNA sequence analysis of the MYH9 gene demonstrated a sequence change, c.257T>A, in exon 2 that results in an amino acid change, p.Met86Lys. The p.Met86Lys change affects a highly conserved amino acid residue located in a domain of the MYH9 protein that is known to be functional. The p.Met86Lys substitution appears to be deleterious using several in-silico pathogenicity prediction tools (SIFT, PolyPhen2, Align GVGD, REVEL). This sequence change is absent from large population databases such as EXAC and gnomAD. The p.Met86Lys amino acid change occurs in a region of the MYH9 gene where other missense sequence changes have been described in patients with MYH9-related disorders (Seri et al., 2000; Saposnik et al., 2014; Kanematsu et al., 2016).This sequence change is the likely cause of this phenotype, however functional studies have not been performed to prove this conclusively.

NM_002473.6(MYH9):c.257T>A (p.Met86Lys)

Gene: MYH9 (myosin heavy chain 9; minus strand). Cytogenetic location: 22q12.3.
Variant type: single nucleotide variant.
Coding change: c.257T>A on transcript NM_002473.6 (MANE Select); coding-DNA position 257, T replaced by A.
Protein change: p.Met86Lys; replaces methionine 86 with lysine.
Molecular consequence: missense variant.
Genome position (GRCh38, 1-based): chr22:36,348,980, A>T on the plus strand (T>A on the coding strand, the complement: MYH9 is on the minus strand). VCF-style: chr22-36348980-A-T. GRCh37 (hg19) VCF-style: chr22-36745025-A-T.
Other names: short protein forms M86K.
Identifiers: ClinVar variation 1337180 (VCV001337180.7), dbSNP rs774334908, ClinGen allele CA411549186.